The following is an entry in ClinVar:

NM_000458.4(HNF1B):c.1206+42_1206+46del

Gene: HNF1B (HNF1 homeobox B; minus strand). Cytogenetic location: 17q12.
Variant type: Microsatellite.
Coding change: c.1206+42_1206+46del on transcript NM_000458.4 (MANE Select); bases 42 to 46 of the intron after coding-DNA position 1206, 5 bases deleted (TAAGA; older notation c.1206+42_1206+46delTAAGA).
Molecular consequence: intron variant.
Genome position (GRCh38, 1-based): chr17:37,710,457-37,710,461, TCTTA deleted on the plus strand (TAAGA on the coding strand, the reverse complement: HNF1B is on the minus strand); deleting any 5 consecutive bases within chr17:37,710,457-37,710,468 gives the same sequence; the c. name uses the placement nearest the transcript's 3' end. VCF-style (leftmost placement, unchanged base first): chr17-37710456-CTCTTA-C. GRCh37 (hg19) VCF-style: chr17-36070464-CTCTTA-C.
Other names: c.1128+42_1128+46del (NM_001304286.2, NM_001165923.4).
Identifiers: ClinVar variation 447508 (VCV000447508.3), dbSNP rs142240844, ClinGen allele CA8518869.

ClinVar aggregate classification (germline): Conflicting classifications of pathogenicity. Review status: criteria provided, conflicting classifications (1 of 4 stars). 2 submissions from 2 submitters: Uncertain significance (1); Likely benign (1). Last evaluated 2018-09-28.

Conditions:
Maturity-onset diabetes of the young (MODY). Also called: Maturity onset diabetes mellitus in young. Identifiers: Orphanet 552, MedGen C0342276, MONDO:0018911, HP:0004904.

Submissions (2):

Athena Diagnostics
Classification: Uncertain significance. Last evaluated: 2018-09-28. Review status: criteria provided, single submitter. Criteria: Athena Diagnostics Criteria. Collection method: clinical testing. Allele origin: germline.

Clinical Genomics, Uppaluri K&H Personalized Medicine Clinic
Classification: Likely benign for Maturity-onset diabetes of the young. Review status: criteria provided, single submitter. Criteria: K & H Uppaluri Personalized Medicine Clinic Variant Classification & Assertion Criteria_Updated V.1. Collection method: research. Allele origin: unknown. Inheritance: Autosomal dominant inheritance.
Comment: HNF1B gene mutations are associated with early onset diabetes and pancreatic atrophy. It is also associated with multiple renal manifestations including renal cysts, Tubulointerstitial disease, glomerulocystic disease, renal hypoplasia, hypomagnesemia. However no sufficient evidence is found to ascertain the role of this particular variant rs142240844, yet.

Literature cited by the submitters: PubMed 24897035 (cited by Clinical Genomics, Uppaluri K&H Personalized Medicine Clinic); PubMed 25536396 (cited by Clinical Genomics, Uppaluri K&H Personalized Medicine Clinic); PubMed 27615128 (cited by Clinical Genomics, Uppaluri K&H Personalized Medicine Clinic); PubMed 28215227 (cited by Clinical Genomics, Uppaluri K&H Personalized Medicine Clinic); PubMed 33434175 (cited by Clinical Genomics, Uppaluri K&H Personalized Medicine Clinic); PubMed 25741167 (cited by Clinical Genomics, Uppaluri K&H Personalized Medicine Clinic); PubMed 26340261 (cited by Clinical Genomics, Uppaluri K&H Personalized Medicine Clinic); PubMed 19639018 (cited by Clinical Genomics, Uppaluri K&H Personalized Medicine Clinic).